The following is an entry in ClinVar:

ClinVar aggregate classification (germline): Likely pathogenic (1 of 4 stars; one submission).

Conditions:
Pyruvate dehydrogenase E1-alpha deficiency (PDHAD). Also called: ATAXIA, INTERMITTENT, WITH PYRUVATE DEHYDROGENASE DEFICIENCY; ATAXIA WITH LACTIC ACIDOSIS I; ATAXIA, INTERMITTENT, WITH ABNORMAL PYRUVATE METABOLISM; Ataxia, intermittent, with pyruvate dehydrogenase, or decarboxylase, deficiency. Identifiers: Orphanet 79243, MedGen C1839413, MONDO:0010717, OMIM 312170.

Submission:

3billion
Classification: Likely pathogenic for Pyruvate dehydrogenase E1-alpha deficiency. Last evaluated: 2024-02-20. Review status: criteria provided, single submitter. Criteria: ACMG Guidelines, 2015. Collection method: clinical testing. Allele origin: germline. Affected: yes.
Comment: The variant is not observed in the gnomAD v2.1.1 dataset. Predicted Consequence/Location: Frameshift: predicted to result in a loss or disruption of normal protein function through protein truncation. The predicted truncated protein may be shortened by more than 10%. Therefore, this variant is classified as Likely pathogenic according to the recommendation of ACMG/AMP guideline.

NM_000284.4(PDHA1):c.1014_1033dup (p.Glu345delinsValMetTrpLysTer)

Gene: PDHA1 (pyruvate dehydrogenase E1 subunit alpha 1; plus strand). Cytogenetic location: Xp22.12.
Variant type: Duplication.
Coding change: c.1014_1033dup on transcript NM_000284.4 (MANE Select); coding-DNA positions 1014 to 1033, 20 bases duplicated (TGATGTGGAAGTGAGGAAGG).
Protein change: p.Glu345delinsValMetTrpLysTer.
Molecular consequence: nonsense.
Genome position (GRCh38, 1-based): chrX:19,359,494-19,359,513, TGATGTGGAAGTGAGGAAGG duplicated. VCF-style (leftmost placement, unchanged base first): chrX-19359493-T-TTGATGTGGAAGTGAGGAAGG. GRCh37 (hg19) VCF-style: chrX-19377611-T-TTGATGTGGAAGTGAGGAAGG.
Other names: c.1128_1147dup, p.Glu383delinsValMetTrpLysTer (NM_001173454.2); c.1035_1054dup, p.Glu352delinsValMetTrpLysTer (NM_001173455.2); c.921_940dup, p.Glu314delinsValMetTrpLysTer (NM_001173456.2).
Identifiers: ClinVar variation 3776180 (VCV003776180.1).